The following is an entry in ClinVar:

NM_000362.5(TIMP3):c.516C>T (p.Phe172=)

Genes: SYN3 (synapsin III; minus strand), TIMP3 (TIMP metallopeptidase inhibitor 3; plus strand). Cytogenetic location: 22q12.3.
Variant type: single nucleotide variant.
Coding change: c.516C>T on transcript NM_000362.5 (MANE Select); coding-DNA position 516, C replaced by T.
Protein change: p.Phe172=; no amino-acid change (phenylalanine 172 retained).
Molecular consequence: synonymous variant. On other transcripts: intron variant (7).
Genome position (GRCh38, 1-based): chr22:32,859,257, C>T. VCF-style: chr22-32859257-C-T. GRCh37 (hg19) VCF-style: chr22-33255244-C-T.
Other names: c.708+5658G>A (NM_001369909.1, NM_001135774.2, NM_001369910.1); c.711+5658G>A (NM_001369907.1, NM_003490.4, NM_001369908.1 and 1 more transcripts).
Identifiers: ClinVar variation 341347 (VCV000341347.46), dbSNP rs149161075, ClinGen allele CA10202279.

ClinVar aggregate classification (germline): Conflicting classifications of pathogenicity. Review status: criteria provided, conflicting classifications (1 of 4 stars). 7 submissions from 7 submitters: Uncertain significance (1); Benign (2); Likely benign (2). 2 of the submissions do not count toward it. Last evaluated 2026-01-07.

Conditions:
Sorsby fundus dystrophy (SFD). Also called: FUNDUS DYSTROPHY, PSEUDOINFLAMMATORY, OF SORSBY; MACULAR DYSTROPHY, HEMORRHAGIC; Sorsby fundus dystrophy, Lavia type. Identifiers: Orphanet 59181, MedGen C1850938, MONDO:0007640, OMIM 136900.

Allele frequency attached by ClinVar (database versions not stated): 1000 Genomes Project 0.00040; 1000 Genomes Project 30x 0.00047; gnomAD 0.00146 and 0.00154; TOPMed 0.00156; gnomAD exomes 0.00163 and 0.00234; ESP Exome Variant Server 0.00169; ExAC 0.00180.
gnomAD v4.1: 3,575 of 1,614,196 alleles (0.22%); highest among the groups gnomAD compares: Non-Finnish European, 0.28%; 7 homozygotes.

Submissions (7):

Labcorp Genetics (formerly Invitae), Labcorp
Classification: Benign. Last evaluated: 2026-01-07. Review status: criteria provided, single submitter. Criteria: Invitae Variant Classification Sherloc (09022015). Collection method: clinical testing. Allele origin: germline.

Blueprint Genetics
Classification: Likely benign. Last evaluated: 2024-11-12. Review status: criteria provided, single submitter. Criteria: ACMG Guidelines, 2015. Collection method: clinical testing. Allele origin: germline.

CeGaT Center for Human Genetics Tuebingen
Classification: Likely benign. Last evaluated: 2024-01-01. Review status: criteria provided, single submitter. Criteria: CeGaT Center For Human Genetics Tuebingen Variant Classification Criteria Version 2. Collection method: clinical testing. Allele origin: germline. Affected: yes. Observed: 1 variant allele.
Comment: TIMP3: BP4, BP7, BS1

Illumina Laboratory Services, Illumina
Classification: Benign for Sorsby fundus dystrophy. Last evaluated: 2018-01-12. Review status: criteria provided, single submitter. Criteria: ICSL Variant Classification Criteria 13 December 2019. Collection method: clinical testing. Allele origin: germline.
Comment: This variant was observed in the ICSL laboratory as part of a predisposition screen in an ostensibly healthy population. It had not been previously curated by ICSL or reported in the Human Gene Mutation Database (HGMD: prior to June 1st, 2018), and was therefore a candidate for classification through an automated scoring system. Utilizing variant allele frequency, disease prevalence and penetrance estimates, and inheritance mode, an automated score was calculated to assess if this variant is too frequent to cause the disease. Based on the score and internal cut-off values, a variant classified as benign is not then subjected to further curation. The score for this variant resulted in a classification of benign for this disease.

Eurofins Ntd Llc (ga)
Classification: Uncertain significance. Last evaluated: 2016-10-03. Review status: criteria provided, single submitter. Criteria: EGL Classification Definitions 2015. Collection method: clinical testing. Allele origin: germline. Observed: 1 variant allele, 1 heterozygote.

Clinical Genetics DNA and cytogenetics Diagnostics Lab, Erasmus MC, Erasmus Medical Center
Classification: Likely benign. Review status: no assertion criteria provided. Collection method: clinical testing. Allele origin: germline. Affected: yes. Study: VKGL Data-share Consensus. Not counted in ClinVar's aggregate classification.

Clinical Genetics, Academic Medical Center
Classification: Likely benign. Review status: no assertion criteria provided. Collection method: clinical testing. Allele origin: germline. Affected: yes. Study: VKGL Data-share Consensus. Not counted in ClinVar's aggregate classification.